The following is an entry in ClinVar:

NM_147127.5(EVC2):c.1289C>G (p.Ala430Gly)

Genes: EVC2 (EvC ciliary complex subunit 2; minus strand), LOC126806961 (BRD4-independent group 4 enhancer GRCh37_chr4:5641443-5642642; plus strand). Cytogenetic location: 4p16.2.
Variant type: single nucleotide variant.
Coding change: c.1289C>G on transcript NM_147127.5 (MANE Select); coding-DNA position 1289, C replaced by G.
Protein change: p.Ala430Gly; replaces alanine 430 with glycine.
Molecular consequence: missense variant.
Genome position (GRCh38, 1-based): chr4:5,640,695, G>C on the plus strand (C>G on the coding strand, the complement: EVC2 is on the minus strand). VCF-style: chr4-5640695-G-C. GRCh37 (hg19) VCF-style: chr4-5642422-G-C.
Other names: c.1049C>G, p.Ala350Gly (NM_001166136.2); short protein forms A430G, A350G.
Identifiers: ClinVar variation 2408816 (VCV002408816.4), dbSNP rs1228931835, ClinGen allele CA356151868.

ClinVar aggregate classification (germline): Uncertain significance. Review status: criteria provided, multiple submitters, no conflicts (2 of 4 stars). 2 submissions from 2 submitters: Uncertain significance (2). Last evaluated 2025-05-22.

Conditions:
Inborn genetic diseases. Identifiers: MedGen C0950123, MeSH D030342.
EVC2-related disorder. Also called: EVC2-related condition.

Allele frequency attached by ClinVar (database versions not stated): TOPMed 0.00001; gnomAD exomes 0.00002.
gnomAD v4.1: 34 of 1,614,048 alleles (0.0021%); highest among the groups gnomAD compares: Non-Finnish European, 0.0026%; no homozygotes.

Submissions (2):

PreventionGenetics, part of Exact Sciences
Classification: Uncertain significance for EVC2-related condition. Last evaluated: 2025-05-22. Review status: criteria provided, single submitter. Criteria: ACMG Guidelines, 2015. Collection method: clinical testing. Allele origin: germline.
Comment: The EVC2 c.1289C>G variant is predicted to result in the amino acid substitution p.Ala430Gly. To our knowledge, this variant has not been reported in the literature. This variant is reported in 0.00088% of alleles in individuals of European (Non-Finnish) descent in gnomAD. At this time, the clinical significance of this variant is uncertain due to the absence of conclusive functional and genetic evidence.

Ambry Genetics
Classification: Uncertain significance for Inborn genetic diseases. Last evaluated: 2024-11-10. Review status: criteria provided, single submitter. Criteria: Ambry Variant Classification Scheme 2023. Collection method: clinical testing. Allele origin: germline.